The following is an entry in ClinVar:

ClinVar aggregate classification (germline): Conflicting classifications of pathogenicity. Review status: criteria provided, conflicting classifications (1 of 4 stars). 4 submissions from 4 submitters: Uncertain significance (1); Likely benign (3). Last evaluated 2026-03-20.

Conditions:
Kabuki syndrome. Also called: Kabuki make-up syndrome; NIIKAWA-KUROKI SYNDROME. Identifiers: Orphanet 2322, MedGen C0796004, MONDO:0016512.
Kabuki syndrome 1 (KABUK1). Also called: KMT2D-Related Kabuki Syndrome. Identifiers: Orphanet 2322, MedGen CN030661, MONDO:0007843, OMIM 147920.
Inborn genetic diseases. Identifiers: MedGen C0950123, MeSH D030342.
KMT2D-related disorder. Also called: KMT2D-Related Disorders.

Allele frequency attached by ClinVar (database versions not stated): gnomAD exomes 0.00002; gnomAD 0.00003; ExAC 0.00004; TOPMed 0.00005.
gnomAD v4.1: 33 of 1,612,126 alleles (0.002%); highest among the groups gnomAD compares: Middle Eastern, 0.016%; no homozygotes.

Submissions (4):

PreventionGenetics, part of Exact Sciences
Classification: Likely benign for KMT2D-related condition. Last evaluated: 2026-03-20. Review status: criteria provided, single submitter. Criteria: ACMG Guidelines, 2015. Collection method: clinical testing. Allele origin: germline.
Comment: This variant is classified as likely benign based on ACMG/AMP sequence variant interpretation guidelines (Richards et al. 2015 PMID: 25741868, with internal and published modifications).

Labcorp Genetics (formerly Invitae), Labcorp
Classification: Likely benign for Kabuki syndrome. Last evaluated: 2025-12-16. Review status: criteria provided, single submitter. Criteria: Invitae Variant Classification Sherloc (09022015). Collection method: clinical testing. Allele origin: germline.

Ambry Genetics
Classification: Likely benign for Inborn genetic diseases. Last evaluated: 2025-07-02. Review status: criteria provided, single submitter. Criteria: Ambry Variant Classification Scheme 2023. Collection method: clinical testing. Allele origin: germline.

Center for Human Genetics, Inc
Classification: Uncertain significance for Kabuki syndrome 1. Last evaluated: 2016-11-01. Review status: criteria provided, single submitter. Criteria: ACMG Guidelines, 2015. Collection method: clinical testing. Allele origin: germline. Affected: yes.

NM_003482.4(KMT2D):c.8137G>A (p.Ala2713Thr)

Gene: KMT2D (lysine methyltransferase 2D; minus strand). Cytogenetic location: 12q13.12.
Variant type: single nucleotide variant.
Coding change: c.8137G>A on transcript NM_003482.4 (MANE Select); coding-DNA position 8137, G replaced by A.
Protein change: p.Ala2713Thr; replaces alanine 2713 with threonine.
Molecular consequence: missense variant.
Genome position (GRCh38, 1-based): chr12:49,039,527, C>T on the plus strand (G>A on the coding strand, the complement: KMT2D is on the minus strand). VCF-style: chr12-49039527-C-T. GRCh37 (hg19) VCF-style: chr12-49433310-C-T.
Other names: short protein forms A2713T.
Identifiers: ClinVar variation 547452 (VCV000547452.12), dbSNP rs748969707, ClinGen allele CA6546912.